The following is an entry in ClinVar:

ClinVar aggregate classification (germline): Uncertain significance (1 of 4 stars; one submission).

Conditions:
Breast-ovarian cancer, familial, susceptibility to, 1 (BROVCA1). Also called: BRCA1 Hereditary Breast and Ovarian Cancer; OVARIAN CANCER, SUSCEPTIBILITY TO. Identifiers: Orphanet 145, MedGen C2676676, MONDO:0011450, OMIM 604370. Disease mechanism: loss of function.

Submissions (2):

Molecular Pathology, Peter Maccallum Cancer Centre
Classification: Uncertain significance for Breast-ovarian cancer, familial, susceptibility to, 1. Last evaluated: 2024-12-16. Review status: criteria provided, single submitter. Criteria: ACMG Guidelines, 2015. Collection method: clinical testing. Allele origin: germline. Inheritance: Autosomal dominant inheritance.

Brotman Baty Institute, University of Washington
No classification provided (evidence only). Condition: Breast-ovarian cancer, familial 1. Review status: no classification provided. Collection method: in vitro. Allele origin: not applicable. Functional consequence: functionally_normal. Not counted in ClinVar's aggregate classification.
ClinVar note: "not provided" was previously submitted as the classification for the variant. However, the classification appeared to be based only on an observation of functional data so it was converted to no classification on 2025-07-30.

NM_007294.4(BRCA1):c.213-3C>T

Gene: BRCA1 (BRCA1 DNA repair associated; minus strand). Cytogenetic location: 17q21.31.
Variant type: single nucleotide variant.
Coding change: c.213-3C>T on transcript NM_007294.4 (MANE Select); 3 bases into the intron before coding-DNA position 213, C replaced by T.
Molecular consequence: intron variant.
Genome position (GRCh38, 1-based): chr17:43,104,959, G>A on the plus strand (C>T on the coding strand, the complement: BRCA1 is on the minus strand). VCF-style: chr17-43104959-G-A. GRCh37 (hg19) VCF-style: chr17-41256976-G-A.
Other names: c.72-3C>T (NM_001408458.1, NM_001407931.1, NM_001407747.1 and 99 more transcripts); c.-218-10099C>T (NM_001407967.1, NM_001407966.1); c.-169-3C>T (NM_001407959.1, NM_001407962.1, NM_001408512.1 and 4 more transcripts); c.3-3C>T (NM_001407885.1, NM_001407886.1, NM_001407898.1 and 58 more transcripts); c.213-3C>T (NM_001407686.1, NM_001408397.1, NM_001407632.1 and 167 more transcripts); c.81-3C>T (NM_001408451.1); c.135-3C>T (NM_001408475.1, NM_001407875.1, NM_001407659.1 and 21 more transcripts).
Identifiers: ClinVar variation 865565 (VCV000865565.4), dbSNP rs80358119, ClinGen allele CA916080844.